The following is an entry in ClinVar:

NM_001378457.1(DMXL2):c.7047T>G (p.Val2349=)

Gene: DMXL2 (Dmx like 2; minus strand). Cytogenetic location: 15q21.2.
Variant type: single nucleotide variant.
Coding change: c.7047T>G on transcript NM_001378457.1 (MANE Select); coding-DNA position 7047, T replaced by G.
Protein change: p.Val2349=; no amino-acid change (valine 2349 retained).
Molecular consequence: synonymous variant. On other transcripts: non-coding transcript variant (2).
Genome position (GRCh38, 1-based): chr15:51,474,510, A>C on the plus strand (T>G on the coding strand, the complement: DMXL2 is on the minus strand). VCF-style: chr15-51474510-A-C. GRCh37 (hg19) VCF-style: chr15-51766707-A-C.
Other names: c.7047T>G, p.Val2349= (NM_001174116.3, NM_001378459.1, NM_001378461.1 and 1 more transcripts); c.5136T>G, p.Val1712= (NM_001174117.3); c.7044T>G, p.Val2348= (NM_001378458.1, NM_001378462.1, NM_015263.5); c.5025T>G, p.Val1675= (NM_001378460.1); c.6804T>G, p.Val2268= (NM_001378464.1); c.7047T>G (NM_001174116.1).
Identifiers: ClinVar variation 1609694 (VCV001609694.10), dbSNP rs143144405, ClinGen allele CA7561465.
Genomic context (GRCh38, chr15:51,474,510, plus strand): 5'-TAATTCACTGGAGGAATTTGTGGCAAGAGCATGTATCAATAAACTTAAGTAAACAGCAAC[A>C]ACAGCTTCACATAGCAAAATGTTCAGTTTTGGCTGGTCTTCATCTTGGGCTGAACTCAAA-3'
Protein context (NP_001365386.1, residues 2339-2359): PKLNILLCEA[Val2349=]VAVYLSLLIH

ClinVar aggregate classification (germline): Likely benign. Review status: criteria provided, single submitter (1 of 4 stars). 2 submissions from 2 submitters: Likely benign (1). 1 of the submissions does not count toward it. Last evaluated 2024-10-16.

Conditions:
DMXL2-related disorder. Also called: DMXL2-related condition.

Allele frequency attached by ClinVar (database versions not stated): gnomAD exomes 0.00001 and 0.00003; TOPMed 0.00002; ExAC 0.00003; gnomAD 0.00004; ESP Exome Variant Server 0.00008; 1000 Genomes Project 30x 0.00016; 1000 Genomes Project 0.00020.
gnomAD v4.1: 19 of 1,614,166 alleles (0.0012%); highest among the groups gnomAD compares: African/African-American, 0.0027%; no homozygotes.

Submissions (2):

Labcorp Genetics (formerly Invitae), Labcorp
Classification: Likely benign. Last evaluated: 2024-10-16. Review status: criteria provided, single submitter. Criteria: Invitae Variant Classification Sherloc (09022015). Collection method: clinical testing. Allele origin: germline.

PreventionGenetics, part of Exact Sciences
Classification: Likely benign for DMXL2-related condition. Last evaluated: 2020-01-06. Review status: no assertion criteria provided. Collection method: clinical testing. Allele origin: germline. Not counted in ClinVar's aggregate classification.
Comment: This variant is classified as likely benign based on ACMG/AMP sequence variant interpretation guidelines (Richards et al. 2015 PMID: 25741868, with internal and published modifications).